The following is an entry in ClinVar:

NM_014625.4(NPHS2):c.289G>C (p.Gly97Arg)

Gene: NPHS2 (NPHS2 stomatin family member, podocin; minus strand). Cytogenetic location: 1q25.2.
Variant type: single nucleotide variant.
Coding change: c.289G>C on transcript NM_014625.4 (MANE Select); coding-DNA position 289, G replaced by C.
Protein change: p.Gly97Arg; replaces glycine 97 with arginine.
Molecular consequence: missense variant.
Genome position (GRCh38, 1-based): chr1:179,564,779, C>G on the plus strand (G>C on the coding strand, the complement: NPHS2 is on the minus strand). VCF-style: chr1-179564779-C-G. GRCh37 (hg19) VCF-style: chr1-179533914-C-G.
Other names: c.289G>C, p.Gly97Arg (NM_001297575.2); short protein forms G97R.
Identifiers: ClinVar variation 2154383 (VCV002154383.2), dbSNP rs200913299, ClinGen allele CA343571111.

ClinVar aggregate classification (germline): Uncertain significance. Review status: criteria provided, multiple submitters, no conflicts (2 of 4 stars). 2 submissions from 2 submitters: Uncertain significance (2). Last evaluated 2024-01-31.

Conditions:
Nephrotic syndrome, type 2 (NPHS2). Also called: NEPHROTIC SYNDROME, STEROID-RESISTANT, AUTOSOMAL RECESSIVE. Identifiers: Orphanet 656, MedGen C1868672, MONDO:0010974, OMIM 600995.

gnomAD v4.1: 5 of 1,613,828 alleles (0.00031%); highest among the groups gnomAD compares: Non-Finnish European, 0.00042%; no homozygotes.

Submissions (2):

Fulgent Genetics
Classification: Uncertain significance for Nephrotic syndrome, type 2. Last evaluated: 2024-01-31. Review status: criteria provided, single submitter. Criteria: ACMG Guidelines, 2015. Collection method: clinical testing. Allele origin: germline.

Labcorp Genetics (formerly Invitae), Labcorp
Classification: Uncertain significance. Last evaluated: 2022-06-29. Review status: criteria provided, single submitter. Criteria: Invitae Variant Classification Sherloc (09022015). Collection method: clinical testing. Allele origin: germline.
Comment: This sequence change replaces glycine, which is neutral and non-polar, with arginine, which is basic and polar, at codon 97 of the NPHS2 protein (p.Gly97Arg). This variant is not present in population databases (gnomAD no frequency). This variant has not been reported in the literature in individuals affected with NPHS2-related conditions. Advanced modeling of protein sequence and biophysical properties (such as structural, functional, and spatial information, amino acid conservation, physicochemical variation, residue mobility, and thermodynamic stability) performed at Invitae indicates that this missense variant is not expected to disrupt NPHS2 protein function. In summary, the available evidence is currently insufficient to determine the role of this variant in disease. Therefore, it has been classified as a Variant of Uncertain Significance.